The following is an entry in ClinVar:

ClinVar aggregate classification (germline): Uncertain significance. Review status: criteria provided, multiple submitters, no conflicts (2 of 4 stars). 2 submissions from 2 submitters: Uncertain significance (2). Last evaluated 2021-07-14.

Conditions:
Fanconi anemia (FA). Also called: Fanconi's anemia. Identifiers: Orphanet 84, MedGen C0015625, MeSH D005199, MONDO:0019391.

Submissions (2):

Labcorp Genetics (formerly Invitae), Labcorp
Classification: Uncertain significance for Fanconi anemia. Last evaluated: 2021-07-14. Review status: criteria provided, single submitter. Criteria: Invitae Variant Classification Sherloc (09022015). Collection method: clinical testing. Allele origin: germline.
Comment: This sequence change replaces threonine with isoleucine at codon 36 of the FANCG protein (p.Thr36Ile). The threonine residue is weakly conserved and there is a moderate physicochemical difference between threonine and isoleucine. This variant is not present in population databases (ExAC no frequency). This variant has not been reported in the literature in individuals with FANCG-related conditions. Algorithms developed to predict the effect of missense changes on protein structure and function (SIFT, PolyPhen-2, Align-GVGD) all suggest that this variant is likely to be tolerated, but these predictions have not been confirmed by published functional studies and their clinical significance is uncertain. In summary, the available evidence is currently insufficient to determine the role of this variant in disease. Therefore, it has been classified as a Variant of Uncertain Significance.

Breakthrough Genomics
Classification: Uncertain significance. Review status: criteria provided, single submitter. Criteria: ACMG Guidelines, 2015. Collection method: not provided. Allele origin: germline. Inheritance: Autosomal recessive inheritance. Affected: yes.

NM_004629.2(FANCG):c.107C>T (p.Thr36Ile)

Gene: FANCG (FA complementation group G; minus strand). Cytogenetic location: 9p13.3.
Variant type: single nucleotide variant.
Coding change: c.107C>T on transcript NM_004629.2 (MANE Select); coding-DNA position 107, C replaced by T.
Protein change: p.Thr36Ile; replaces threonine 36 with isoleucine.
Molecular consequence: missense variant.
Genome position (GRCh38, 1-based): chr9:35,079,219, G>A on the plus strand (C>T on the coding strand, the complement: FANCG is on the minus strand). VCF-style: chr9-35079219-G-A. GRCh37 (hg19) VCF-style: chr9-35079216-G-A.
Other names: short protein forms T36I.
Identifiers: ClinVar variation 653109 (VCV000653109.9), dbSNP rs1587144550, ClinGen allele CA373315755.
Genomic context (GRCh38, chr9:35,079,219, plus strand): 5'-CTATGGAGGAGCCCTCTGAGCCCTTCCAGTGCATCCTGAGCCAACTGCTGTCGCCTCAGA[G>A]TCAGACCGGAGTTCTGAGCCACCTGCCACATGAGGGAGGGGTTGTCACTGAGGATCAATC-3'
Protein context (NP_004620.1, residues 26-46): QAKVAQNSGL[Thr36Ile]LRRQQLAQDA